The following is an entry in ClinVar:

ClinVar aggregate classification (germline): Uncertain significance. Review status: criteria provided, multiple submitters, no conflicts (2 of 4 stars). 7 submissions from 7 submitters: Uncertain significance (7). Last evaluated 2026-01-20.

Conditions:
TTN-related disorder. Also called: TTN-related condition; TTN-related disease; TTN-related disorders.
Autosomal recessive limb-girdle muscular dystrophy type 2J (LGMDR10). Also called: Limb-girdle muscular dystrophy, type 2J; MUSCULAR DYSTROPHY, LIMB-GIRDLE, AUTOSOMAL RECESSIVE 10. Identifiers: Orphanet 140922, MedGen C1837342, MONDO:0012127, OMIM 608807.
Dilated cardiomyopathy 1G (CMD1G). Identifiers: Orphanet 154, MedGen C1858763, MONDO:0011400, OMIM 604145.
Early-onset myopathy with fatal cardiomyopathy (CMYO5). Also called: Salih Myopathy; CONGENITAL MYOPATHY 5 WITH CARDIOMYOPATHY. Identifiers: Orphanet 289377, MedGen C2673677, MONDO:0012714, OMIM 611705. Disease mechanism: loss of function.
Myopathy, myofibrillar, 9, with early respiratory failure (MFM9). Also called: EDSTROM MYOPATHY; MYOPATHY, PROXIMAL, WITH EARLY RESPIRATORY MUSCLE INVOLVEMENT; Myopathy, distal, with early respiratory failure, autosomal dominant; Hereditary myopathy with early respiratory failure. Identifiers: Orphanet 178464, Orphanet 34521, MedGen C1863599, MONDO:0011362, OMIM 603689.
Tibial muscular dystrophy (TMD). Also called: Tibial muscular dystrophy, tardive; UDD MYOPATHY; Udd Distal Myopathy – Tibial Muscular Dystrophy. Identifiers: Orphanet 609, MedGen C1838244, MONDO:0010870, OMIM 600334.
Hypertrophic cardiomyopathy 9. Also called: Familial hypertrophic cardiomyopathy 9. Identifiers: MedGen C1861065, MONDO:0013412, OMIM 613765.

Allele frequency attached by ClinVar (database versions not stated): gnomAD 0.00001 and 0.00002; TOPMed 0.00001; ExAC 0.00003; gnomAD exomes 0.00005; ESP Exome Variant Server 0.00008; 1000 Genomes Project 30x 0.00016; 1000 Genomes Project 0.00020.
gnomAD v4.1: 39 of 1,612,850 alleles (0.0024%); highest among the groups gnomAD compares: Middle Eastern, 0.017%; no homozygotes.

Submissions (7):

PreventionGenetics, part of Exact Sciences
Classification: Uncertain significance for TTN-related condition. Last evaluated: 2026-01-20. Review status: criteria provided, single submitter. Criteria: ACMG Guidelines, 2015. Collection method: clinical testing. Allele origin: germline.
Comment: The TTN c.76556T>C variant is predicted to result in the amino acid substitution p.Ile25519Thr. To our knowledge, this variant has not been reported in the literature. This variant is reported in 0.012% of alleles in individuals of Latino descent in gnomAD. At this time, the clinical significance of this variant is uncertain due to the absence of conclusive functional and genetic evidence.

CeGaT Center for Human Genetics Tuebingen
Classification: Uncertain significance. Last evaluated: 2023-04-01. Review status: criteria provided, single submitter. Criteria: CeGaT Center For Human Genetics Tuebingen Variant Classification Criteria Version 2. Collection method: clinical testing. Allele origin: germline. Affected: yes. Observed: 1 variant allele.
Comment: TTN: PM2, BP4

Fulgent Genetics
Classification: Uncertain significance for Tibial muscular dystrophy; Myopathy, myofibrillar, 9, with early respiratory failure; Dilated cardiomyopathy 1G; Autosomal recessive limb-girdle muscular dystrophy type 2J; Early-onset myopathy with fatal cardiomyopathy; Hypertrophic cardiomyopathy 9. Last evaluated: 2021-09-13. Review status: criteria provided, single submitter. Criteria: ACMG Guidelines, 2015. Collection method: clinical testing. Allele origin: unknown.

Mayo Clinic Laboratories, Mayo Clinic
Classification: Uncertain significance. Last evaluated: 2019-12-26. Review status: criteria provided, single submitter. Criteria: ACMG Guidelines, 2015. Collection method: clinical testing. Allele origin: germline. Observed: 1 variant allele.

ARUP Laboratories, Molecular Genetics and Genomics, ARUP Laboratories
Classification: Uncertain significance. Last evaluated: 2019-05-11. Review status: criteria provided, single submitter. Criteria: ARUP Molecular Germline Variant Investigation Process. Collection method: clinical testing. Allele origin: germline.
Comment: The TTN c.76556T>C; p.Ile25519Thr variant (rs376185524; ClinVar Variation ID: 196072) is rare in the general population (<1% allele frequency in the Genome Aggregation Database) and has not been reported in the medical literature in association with dilated cardiomyopathy (DCM) or other TTN-related disease. The clinical relevance of rare missense variants in this gene, which are identified on average once per individual sequenced in affected populations (Herman 2012), is not well understood. Yet, evidence suggests that the vast majority of such missense variants do not contribute to the clinical outcome of DCM (Begay 2015). Thus, the clinical significance of the p.Ile25519Thr variant cannot be determined with certainty. References: Begay RL et al. Role of Titin Missense Variants in Dilated Cardiomyopathy. J Am Heart Assoc. 2015 Nov 13;4(11). Herman DS et al. Truncations of titin causing dilated cardiomyopathy. N Engl J Med. 2012 Feb 16;366(7):619-28. Linke and Hamdani. Gigantic business: titin properties and function through thick and thin. Circ Res 2014; 114(6): 1052-1068.

Labcorp Genetics (formerly Invitae), Labcorp
Classification: Uncertain significance for Dilated cardiomyopathy 1G; Autosomal recessive limb-girdle muscular dystrophy type 2J. Last evaluated: 2017-09-05. Review status: criteria provided, single submitter. Criteria: Invitae Variant Classification Sherloc (09022015). Collection method: clinical testing. Allele origin: germline.

Eurofins Ntd Llc (ga)
Classification: Uncertain significance. Last evaluated: 2015-06-05. Review status: criteria provided, single submitter. Criteria: EGL Classification Definitions 2015. Collection method: clinical testing. Allele origin: germline. Observed: 1 variant allele, 1 heterozygote.

NM_001267550.2(TTN):c.76556T>C (p.Ile25519Thr)

Genes: TTN-AS1 (TTN antisense RNA 1; plus strand), TTN (titin; minus strand). Cytogenetic location: 2q31.2.
Variant type: single nucleotide variant.
Coding change: c.76556T>C on transcript NM_001267550.2 (MANE Select); coding-DNA position 76556, T replaced by C.
Protein change: p.Ile25519Thr; replaces isoleucine 25519 with threonine.
Molecular consequence: missense variant.
Genome position (GRCh38, 1-based): chr2:178,569,576, A>G on the plus strand (T>C on the coding strand, the complement: TTN is on the minus strand). VCF-style: chr2-178569576-A-G. GRCh37 (hg19) VCF-style: chr2-179434303-A-G.
Other names: c.71633T>C, p.Ile23878Thr (NM_001256850.1); c.49361T>C, p.Ile16454Thr (NM_003319.4); c.68852T>C, p.Ile22951Thr (NM_133378.4); c.49736T>C, p.Ile16579Thr (NM_133432.3); c.49937T>C, p.Ile16646Thr (NM_133437.4); short protein forms I25519T, I22951T, I16646T, I16454T, I16579T, I23878T.
Identifiers: ClinVar variation 196072 (VCV000196072.45), dbSNP rs376185524, ClinGen allele CA242838.